The following is an entry in ClinVar:

ClinVar aggregate classification (germline): Uncertain significance. Review status: reviewed by expert panel (3 of 4 stars). 4 submissions from 4 submitters: Uncertain significance (1). 3 of the submissions do not count toward it. Last evaluated 2023-11-27.

Conditions:
Very long chain acyl-CoA dehydrogenase deficiency (ACADVLD). Also called: VLCAD Deficiency; Very Long-Chain Acyl-Coenzyme A Dehydrogenase Deficiency. Identifiers: Orphanet 26793, MedGen C3887523, MONDO:0008723, OMIM 201475.
Abnormality of the musculature. Identifiers: MedGen C4021745, HP:0003011.

Allele frequency attached by ClinVar (database versions not stated): gnomAD exomes below 0.00001.

Submissions (4):

ClinGen ACADVL Variant Curation Expert Panel, ClinGen
Classification: Uncertain significance for Very long chain acyl-CoA dehydrogenase deficiency. Last evaluated: 2023-11-27. Review status: reviewed by expert panel. Criteria: clingen acadvl acmg specifications v1. Collection method: curation. Allele origin: germline. Inheritance: Autosomal recessive inheritance.
Comment: The NM_000018.4(ACADVL):c.911C>T variant in ACADVL is a missense variant predicted to cause substitution of alanine by valine at amino acid 304 (p.Ala304Val). The highest population minor allele frequency in gnomAD v2.1.1 is 0.00009 in non-Finnish European population, which is lower than the ClinGen ACADVL Variant Curation Expert Panel threshold (<0.001) for PM2_Supporting, meeting this criterion (PM2_Supporting). At least one patient with this variant displayed reduced enzyme levels (21% of wildtype), which is highly specific for VLCAD deficiency (PP4, PMID: 21932095). The variant is detected in at least one consanguineous patient in homozygous fashion, but clinical phenotype is not specific enough to establish supporting evidence (PMID: 32558070). The computational predictor REVEL gives a score of 0.88, which is above the threshold of 0.75, evidence that correlates with impact to ACADVL function (PP3). Due to conflicting evidence, this variant is classified as a variant of uncertain significance for autosomal recessive very long chain acyl-CoA dehydrogenase (VLCAD) deficiency based on the ACMG/AMP criteria applied, as specified by the ClinGen ACADVL Variant Curation Expert Panel: PM2_Supporting, PP3, PP4. (ACADVL VCEP specifications version 1; approved November 9, 2021).

Labcorp Genetics (formerly Invitae), Labcorp
Classification: Uncertain significance for Very long chain acyl-CoA dehydrogenase deficiency. Last evaluated: 2022-05-17. Review status: criteria provided, single submitter. Criteria: Invitae Variant Classification Sherloc (09022015). Collection method: clinical testing. Allele origin: germline. Not counted in ClinVar's aggregate classification.
Comment: This sequence change replaces alanine, which is neutral and non-polar, with valine, which is neutral and non-polar, at codon 304 of the ACADVL protein (p.Ala304Val). This variant is present in population databases (no rsID available, gnomAD 0.0009%). This missense change has been observed in individual(s) with very long-chain acyl-CoA dehydrogenase deficiency (PMID: 21932095, 32558070). This variant is also known as c.911C>T (p.A264V). ClinVar contains an entry for this variant (Variation ID: 867228). Advanced modeling of protein sequence and biophysical properties (such as structural, functional, and spatial information, amino acid conservation, physicochemical variation, residue mobility, and thermodynamic stability) performed at Invitae indicates that this missense variant is expected to disrupt ACADVL protein function. This variant disrupts the p.Ala304 amino acid residue in ACADVL. Other variant(s) that disrupt this residue have been observed in individuals with ACADVL-related conditions (PMID: 20060901), which suggests that this may be a clinically significant amino acid residue. In summary, the available evidence is currently insufficient to determine the role of this variant in disease. Therefore, it has been classified as a Variant of Uncertain Significance.

Kariminejad - Najmabadi Pathology & Genetics Center
Classification: Likely pathogenic for Abnormality of the musculature. Last evaluated: 2021-07-10. Review status: criteria provided, single submitter. Criteria: ACMG Guidelines, 2015. Collection method: clinical testing. Allele origin: germline. Affected: yes. Not counted in ClinVar's aggregate classification.

Neuromuscular Department, Shariati Hospital, Tehran University of Medical Sciences
Classification: Pathogenic for Very long chain acyl-CoA dehydrogenase deficiency. Last evaluated: 2019-12-01. Review status: no assertion criteria provided. Collection method: clinical testing. Allele origin: germline. Affected: yes. Not counted in ClinVar's aggregate classification.
Comment: Muscle MRI revealed moderate fat deposition in hamstrings and Sartorius muscles, as well as medial heads of gastrocnemius and soleus muscles.

Literature cited by the submitters: PubMed 21932095 (cited by Labcorp Genetics (formerly Invitae), Labcorp); PubMed 32558070 (cited by Labcorp Genetics (formerly Invitae), Labcorp); PubMed 20060901 (cited by Labcorp Genetics (formerly Invitae), Labcorp).

NM_000018.4(ACADVL):c.911C>T (p.Ala304Val)

Gene: ACADVL (acyl-CoA dehydrogenase very long chain; plus strand). Cytogenetic location: 17p13.1.
Variant type: single nucleotide variant.
Coding change: c.911C>T on transcript NM_000018.4 (MANE Select); coding-DNA position 911, C replaced by T.
Protein change: p.Ala304Val; replaces alanine 304 with valine.
Molecular consequence: missense variant.
Genome position (GRCh38, 1-based): chr17:7,222,699, C>T. VCF-style: chr17-7222699-C-T. GRCh37 (hg19) VCF-style: chr17-7126018-C-T.
Other names: NM_000018.4(ACADVL):c.911C>T; p.Ala304Val; c.845C>T, p.Ala282Val (NM_001033859.3); c.980C>T, p.Ala327Val (NM_001270447.2); c.683C>T, p.Ala228Val (NM_001270448.2); short protein forms A282V, A327V, A228V, A304V.
Identifiers: ClinVar variation 867228 (VCV000867228.28), dbSNP rs1473375424, ClinGen allele CA397723957.